The following is an entry in ClinVar:

NM_005591.4(MRE11):c.1930A>G (p.Ile644Val)

Gene: MRE11 (MRE11 double strand break repair nuclease; minus strand). Cytogenetic location: 11q21.
Variant type: single nucleotide variant.
Coding change: c.1930A>G on transcript NM_005591.4 (MANE Select); coding-DNA position 1930, A replaced by G.
Protein change: p.Ile644Val; replaces isoleucine 644 with valine.
Molecular consequence: missense variant. On other transcripts: intron variant (1).
Genome position (GRCh38, 1-based): chr11:94,435,896, T>C on the plus strand (A>G on the coding strand, the complement: MRE11 is on the minus strand). VCF-style: chr11-94435896-T-C. GRCh37 (hg19) VCF-style: chr11-94169062-T-C.
Other names: c.1867A>G, p.Ile623Val (NM_001440469.1, NM_001440467.1, NM_001440468.1); c.1864A>G, p.Ile622Val (NM_001440470.1); c.1855A>G, p.Ile619Val (NM_001440471.1); c.1852A>G, p.Ile618Val (NM_001440472.1); c.1849A>G, p.Ile617Val (NM_001440473.1); c.1846A>G, p.Ile616Val (NM_001440474.1, NM_001440475.1, NM_001440476.1 and 4 more transcripts); c.1926+1281A>G (NM_001440480.1); c.1927A>G, p.Ile643Val (NM_001330347.2, NM_001440464.1, NM_001440465.1); and 6 more; short protein forms I595V, I617V, I643V, I598V, I618V, I622V, I488V, I616V.
Identifiers: ClinVar variation 4110105 (VCV004110105.1).
Genomic context (GRCh38, chr11:94,435,896, plus strand): 5'-GATCTGTCTTTGAAGTGGTAGGAAAAATGTCTTCTTCCACATCTGATTCATCTACCTCAA[T>C]CACCTGGCAAGGAAACAAAGCAACAAACAGTTTTTGTGAGAATAGACTCTGAATAAAAAT-3'
Protein context (NP_005582.1, residues 634-654): NVTTKNYSEV[Ile644Val]EVDESDVEED

ClinVar aggregate classification (germline): Uncertain significance (1 of 4 stars; one submission).

Conditions:
Hereditary cancer-predisposing syndrome. Also called: Tumor predisposition; Neoplastic Syndromes, Hereditary; Hereditary neoplastic syndrome; Hereditary Cancer Syndrome. Identifiers: Orphanet 140162, MedGen C0027672, MeSH D009386, MONDO:0015356.

Submission:

Ambry Genetics
Classification: Uncertain significance for Hereditary cancer-predisposing syndrome. Last evaluated: 2025-09-10. Review status: criteria provided, single submitter. Criteria: Ambry Variant Classification Scheme 2023. Collection method: clinical testing. Allele origin: germline.
Comment: The p.I644V variant (also known as c.1930A>G), located in coding exon 17 of the MRE11A gene, results from an A to G substitution at nucleotide position 1930. The isoleucine at codon 644 is replaced by valine, an amino acid with highly similar properties. This amino acid position is conserved. In addition, this alteration is predicted to be tolerated by in silico analysis. Based on the available evidence, the clinical significance of this variant remains unclear.